The following is an entry in ClinVar:

ClinVar aggregate classification (germline): Uncertain significance. Review status: criteria provided, multiple submitters, no conflicts (2 of 4 stars). 2 submissions from 2 submitters: Uncertain significance (2). Last evaluated 2024-04-10.

Conditions:
Inborn genetic diseases. Identifiers: MedGen C0950123, MeSH D030342.
Autosomal dominant Parkinson disease 8. Also called: Parkinson disease 8, susceptibility to; LRRK2-Related Parkinson Disease; Parkinson disease 8. Identifiers: Orphanet 411602, MedGen C1846862, MONDO:0011764, OMIM 607060.

Allele frequency attached by ClinVar (database versions not stated): gnomAD exomes below 0.00001.
gnomAD v4.1: 2 of 1,612,238 alleles (0.00012%); highest among the groups gnomAD compares: East Asian, 0.0045%; no homozygotes.

Submissions (2):

Ambry Genetics
Classification: Uncertain significance for Inborn genetic diseases. Last evaluated: 2024-04-10. Review status: criteria provided, single submitter. Criteria: Ambry Variant Classification Scheme 2023. Collection method: clinical testing. Allele origin: germline.
Comment: The p.M2459L variant (also known as c.7375A>T), located in coding exon 49 of the LRRK2 gene, results from an A to T substitution at nucleotide position 7375. The methionine at codon 2459 is replaced by leucine, an amino acid with highly similar properties. This amino acid position is conserved. In addition, this alteration is predicted to be tolerated by in silico analysis. Based on the available evidence, the clinical significance of this variant remains unclear.

Labcorp Genetics (formerly Invitae), Labcorp
Classification: Uncertain significance for Autosomal dominant Parkinson disease 8. Last evaluated: 2022-11-03. Review status: criteria provided, single submitter. Criteria: Invitae Variant Classification Sherloc (09022015). Collection method: clinical testing. Allele origin: germline.
Comment: In summary, the available evidence is currently insufficient to determine the role of this variant in disease. Therefore, it has been classified as a Variant of Uncertain Significance. Algorithms developed to predict the effect of missense changes on protein structure and function (SIFT, PolyPhen-2, Align-GVGD) all suggest that this variant is likely to be tolerated. This variant has not been reported in the literature in individuals affected with LRRK2-related conditions. This variant is not present in population databases (gnomAD no frequency). This sequence change replaces methionine, which is neutral and non-polar, with leucine, which is neutral and non-polar, at codon 2459 of the LRRK2 protein (p.Met2459Leu).

NM_198578.4(LRRK2):c.7375A>T (p.Met2459Leu)

Gene: LRRK2 (leucine rich repeat kinase 2; plus strand). Cytogenetic location: 12q12.
Variant type: single nucleotide variant.
Coding change: c.7375A>T on transcript NM_198578.4 (MANE Select); coding-DNA position 7375, A replaced by T.
Protein change: p.Met2459Leu; replaces methionine 2459 with leucine.
Molecular consequence: missense variant.
Genome position (GRCh38, 1-based): chr12:40,365,035, A>T. VCF-style: chr12-40365035-A-T. GRCh37 (hg19) VCF-style: chr12-40758837-A-T.
Other names: c.7375A>T (NM_198578.3); short protein forms M2459L.
Identifiers: ClinVar variation 1720332 (VCV001720332.6), dbSNP rs1946835749, ClinGen allele CA384415348.